The following is an entry in ClinVar:

NM_002907.4(RECQL):c.1138A>T (p.Lys380Ter)

Gene: RECQL (RecQ like helicase; minus strand). Cytogenetic location: 12p12.1.
Variant type: single nucleotide variant.
Coding change: c.1138A>T on transcript NM_002907.4 (MANE Select); coding-DNA position 1138, A replaced by T.
Protein change: p.Lys380Ter; replaces lysine 380 with a stop codon.
Molecular consequence: nonsense.
Genome position (GRCh38, 1-based): chr12:21,475,546, T>A on the plus strand (A>T on the coding strand, the complement: RECQL is on the minus strand). VCF-style: chr12-21475546-T-A. GRCh37 (hg19) VCF-style: chr12-21628480-T-A.
Other names: c.1138A>T, p.Lys380Ter (NM_032941.3); short protein forms K380*.
Identifiers: ClinVar variation 939636 (VCV000939636.17), dbSNP rs145868233, ClinGen allele CA6478846.

ClinVar aggregate classification (germline): Uncertain significance. Review status: criteria provided, multiple submitters, no conflicts (2 of 4 stars). 3 submissions from 3 submitters: Uncertain significance (3). Last evaluated 2023-12-14.

Allele frequency attached by ClinVar (database versions not stated): gnomAD 0.00001 and 0.00002; ExAC 0.00002; gnomAD exomes 0.00002 and 0.00003; TOPMed 0.00002; ESP Exome Variant Server 0.00015.
gnomAD v4.1: 29 of 1,612,768 alleles (0.0018%); highest among the groups gnomAD compares: Non-Finnish European, 0.0024%; no homozygotes.

Submissions (3):

Labcorp Genetics (formerly Invitae), Labcorp
Classification: Uncertain significance. Last evaluated: 2023-12-14. Review status: criteria provided, single submitter. Criteria: Invitae Variant Classification Sherloc (09022015). Collection method: clinical testing. Allele origin: germline.
Comment: This sequence change creates a premature translational stop signal (p.Lys380*) in the RECQL gene. It is expected to result in an absent or disrupted protein product. However, the current clinical and genetic evidence is not sufficient to establish whether loss-of-function variants in RECQL cause disease. This variant is present in population databases (rs145868233, gnomAD 0.007%). This premature translational stop signal has been observed in individual(s) with breast cancer and/or pheochromocytoma and paraganglioma (PMID: 25915596, 29625052, 36451132). ClinVar contains an entry for this variant (Variation ID: 939636). Algorithms developed to predict the effect of sequence changes on RNA splicing suggest that this variant may disrupt the consensus splice site. In summary, the available evidence is currently insufficient to determine the role of this variant in disease. Therefore, it has been classified as a Variant of Uncertain Significance.

GeneDx
Classification: Uncertain significance. Last evaluated: 2023-06-01. Review status: criteria provided, single submitter. Criteria: GeneDx Variant Classification Process June 2021. Collection method: clinical testing. Allele origin: germline. Affected: yes.
Comment: Observed in individuals with breast cancer or paraganglioma/pheochromocytoma (Cybulski et al., 2015; Huang et al., 2018); Nonsense variant predicted to result in protein truncation or nonsense mediated decay in a gene or region of a gene for which loss of function is not an established mechanism of disease; Variants in candidate genes are classified as variants of uncertain significance in accordance with ACMG guidelines (Richards et al., 2015); This variant is associated with the following publications: (PMID: 29625052, 25915596, 27248010, 19151156, 30267214)

Ambry Genetics
Classification: Uncertain significance. Last evaluated: 2023-01-23. Review status: criteria provided, single submitter. Criteria: Ambry Variant Classification Scheme 2023. Collection method: clinical testing. Allele origin: germline.
Comment: The p.K380* variant (also known as c.1138A>T), located in coding exon 9 of the RECQL gene, results from an A to T substitution at nucleotide position 1138. This changes the amino acid from a lysine to a stop codon within coding exon 9. This alteration is expected to result in premature protein truncation or nonsense-mediated mRNA decay. The evidence for this gene-disease relationship is limited; therefore, the clinical significance of this alteration is unclear.

Literature cited by the submitters: PubMed 25915596 (cited by Labcorp Genetics (formerly Invitae), Labcorp and Ambry Genetics); PubMed 29625052 (cited by Labcorp Genetics (formerly Invitae), Labcorp); PubMed 36451132 (cited by Labcorp Genetics (formerly Invitae), Labcorp); PubMed 30267214 (cited by Ambry Genetics).